The following is an entry in ClinVar:

NM_001291415.2(KDM6A):c.1683+3G>A

Gene: KDM6A (lysine demethylase 6A; plus strand). Cytogenetic location: Xp11.3.
Variant type: single nucleotide variant.
Coding change: c.1683+3G>A on transcript NM_001291415.2 (MANE Select); 3 bases into the intron after coding-DNA position 1683, G replaced by A.
Molecular consequence: intron variant.
Genome position (GRCh38, 1-based): chrX:45,062,751, G>A. VCF-style: chrX-45062751-G-A. GRCh37 (hg19) VCF-style: chrX-44921996-G-A.
Other names: p.?; c.1527+3G>A (NM_021140.4); c.1548+3G>A (NM_001291416.2); c.1392+3G>A (NM_001291417.2); c.1291-671G>A (NM_001291418.2); c.639+3G>A (NM_001291421.2).
Identifiers: ClinVar variation 261406 (VCV000261406.27), dbSNP rs61751429, ClinGen allele CA10392395.

ClinVar aggregate classification (germline): Benign/Likely benign. Review status: criteria provided, multiple submitters, no conflicts (2 of 4 stars). 10 submissions from 10 submitters: Benign (4); Likely benign (4). 2 of the submissions do not count toward it. Last evaluated 2026-01-29.

Conditions:
Kabuki syndrome 2 (KABUK2). Also called: KDM6A-Related Kabuki Syndrome. Identifiers: Orphanet 2322, MedGen C3275495, MONDO:0010465, OMIM 300867.

Allele frequency attached by ClinVar (database versions not stated): 1000 Genomes Project 0.00212; TOPMed 0.00220; gnomAD exomes 0.00254 and 0.00405; 1000 Genomes Project 30x 0.00271; gnomAD 0.00277 and 0.00283; ExAC 0.00280; ESP Exome Variant Server 0.00426.
gnomAD v4.1: 4,298 of 1,113,530 alleles (0.39%); highest among the groups gnomAD compares: Non-Finnish European, 0.47%; 7 homozygotes.

Submissions (10):

Labcorp Genetics (formerly Invitae), Labcorp
Classification: Benign for Kabuki syndrome 2. Last evaluated: 2026-01-29. Review status: criteria provided, single submitter. Criteria: Invitae Variant Classification Sherloc (09022015). Collection method: clinical testing. Allele origin: germline.

Mayo Clinic Laboratories, Mayo Clinic
Classification: Likely benign. Last evaluated: 2025-06-11. Review status: criteria provided, single submitter. Criteria: ACMG Guidelines, 2015. Collection method: clinical testing. Allele origin: germline. Observed: 3 variant alleles.
Comment: BS2, BP4, BP7

ARUP Laboratories, Molecular Genetics and Genomics, ARUP Laboratories
Classification: Benign for Kabuki syndrome 2. Last evaluated: 2025-05-01. Review status: criteria provided, single submitter. Criteria: ARUP Molecular Germline Variant Investigation Process 2024. Collection method: clinical testing. Allele origin: germline.

Blueprint Genetics
Classification: Likely benign. Last evaluated: 2024-11-23. Review status: criteria provided, single submitter. Criteria: ACMG Guidelines, 2015. Collection method: clinical testing. Allele origin: germline.

GeneDx
Classification: Benign. Last evaluated: 2018-09-24. Review status: criteria provided, single submitter. Criteria: GeneDx Variant Classification Process June 2021. Collection method: clinical testing. Allele origin: germline. Affected: yes.

Genetic Services Laboratory, University of Chicago
Classification: Likely benign. Last evaluated: 2018-06-18. Review status: criteria provided, single submitter. Criteria: ACMG Guidelines, 2015. Collection method: clinical testing. Allele origin: germline. Affected: no.

Breakthrough Genomics
Classification: Likely benign. Review status: criteria provided, single submitter. Criteria: ACMG Guidelines, 2015. Collection method: not provided. Allele origin: germline. Inheritance: X-linked inheritance. Affected: yes.

PreventionGenetics, part of Exact Sciences
Classification: Benign. Review status: criteria provided, single submitter. Criteria: ACMG Guidelines, 2015. Collection method: clinical testing. Allele origin: germline.

Clinical Genetics DNA and cytogenetics Diagnostics Lab, Erasmus MC, Erasmus Medical Center
Classification: Likely benign. Review status: no assertion criteria provided. Collection method: clinical testing. Allele origin: germline. Affected: yes. Study: VKGL Data-share Consensus. Not counted in ClinVar's aggregate classification.

Laboratory of Diagnostic Genome Analysis, Leiden University Medical Center (LUMC)
Classification: Likely benign. Review status: no assertion criteria provided. Collection method: clinical testing. Allele origin: germline. Affected: yes. Study: VKGL Data-share Consensus. Not counted in ClinVar's aggregate classification.